The following is an entry in ClinVar:

ClinVar aggregate classification (germline): Uncertain significance. Review status: criteria provided, multiple submitters, no conflicts (2 of 4 stars). 2 submissions from 2 submitters: Uncertain significance (2). Last evaluated 2026-03-11.

gnomAD v4.1: 8 of 1,614,242 alleles (0.0005%); highest among the groups gnomAD compares: South Asian, 0.0088%; no homozygotes.

Submissions (2):

GeneDx
Classification: Uncertain significance. Last evaluated: 2026-03-11. Review status: criteria provided, single submitter. Criteria: GeneDx Variant Classification Process June 2021. Collection method: clinical testing. Allele origin: germline.
Comment: In silico analysis supports that this missense variant has a deleterious effect on protein structure/function; Has not been previously published as pathogenic or benign to our knowledge

Blueprint Genetics
Classification: Uncertain significance. Last evaluated: 2023-09-25. Review status: criteria provided, single submitter. Criteria: ACMG Guidelines, 2015. Collection method: clinical testing. Allele origin: germline.

NM_005236.3(ERCC4):c.2070A>T (p.Glu690Asp)

Gene: ERCC4 (ERCC excision repair 4, endonuclease catalytic subunit; plus strand). Cytogenetic location: 16p13.12.
Variant type: single nucleotide variant.
Coding change: c.2070A>T on transcript NM_005236.3 (MANE Select); coding-DNA position 2070, A replaced by T.
Protein change: p.Glu690Asp; replaces glutamic acid 690 with aspartic acid.
Molecular consequence: missense variant.
Genome position (GRCh38, 1-based): chr16:13,947,666, A>T. VCF-style: chr16-13947666-A-T. GRCh37 (hg19) VCF-style: chr16-14041523-A-T.
Other names: short protein forms E690D.
Identifiers: ClinVar variation 4928596 (VCV004928596.2).